The following is an entry in ClinVar:

ClinVar aggregate classification (germline): Conflicting classifications of pathogenicity. Review status: criteria provided, conflicting classifications (1 of 4 stars). 6 submissions from 6 submitters: Uncertain significance (4); Likely benign (2). Last evaluated 2026-01-13.

Conditions:
Cardiovascular phenotype. Identifiers: MedGen CN230736.
Cardiomyopathy (CMYO). Also called: Cardiomyopathies. Identifiers: Orphanet 167848, MedGen C0878544, MONDO:0004994, HP:0001638. Inheritance: Various modes of inheritance.
Hypertrophic cardiomyopathy. Also called: HYPERTROPHIC MYOCARDIOPATHY. Identifiers: Orphanet 217569, MedGen C0007194, MeSH D002312, MONDO:0005045, HP:0001639.

Allele frequency attached by ClinVar (database versions not stated): gnomAD 0.00001 and 0.00002; TOPMed 0.00002; gnomAD exomes 0.00003 and 0.00006; ExAC 0.00007.
gnomAD v4.1: 57 of 1,614,050 alleles (0.0035%); highest among the groups gnomAD compares: Non-Finnish European, 0.0031%; no homozygotes.

Submissions (6):

Labcorp Genetics (formerly Invitae), Labcorp
Classification: Uncertain significance for Hypertrophic cardiomyopathy. Last evaluated: 2026-01-13. Review status: criteria provided, single submitter. Criteria: Invitae Variant Classification Sherloc (09022015). Collection method: clinical testing. Allele origin: germline.
Comment: This sequence change falls in intron 8 of the MYH7 gene. It does not directly change the encoded amino acid sequence of the MYH7 protein. It affects a nucleotide within the consensus splice site. This variant is present in population databases (rs765068619, gnomAD 0.01%). This variant has not been reported in the literature in individuals affected with MYH7-related conditions. ClinVar contains an entry for this variant (Variation ID: 222732). Variants that disrupt the consensus splice site are a relatively common cause of aberrant splicing (PMID: 17576681, 9536098). Algorithms developed to predict the effect of sequence changes on RNA splicing suggest that this variant is not likely to affect RNA splicing. In summary, the available evidence is currently insufficient to determine the role of this variant in disease. Therefore, it has been classified as a Variant of Uncertain Significance.

Ambry Genetics
Classification: Uncertain significance for Cardiovascular phenotype. Last evaluated: 2024-09-16. Review status: criteria provided, single submitter. Criteria: Ambry Variant Classification Scheme 2023. Collection method: clinical testing. Allele origin: germline.
Comment: The c.733-3C>T intronic variant results from a C to T substitution 3 nucleotides upstream from coding exon 7 in the MYH7 gene. This nucleotide position is well conserved in available vertebrate species. In silico splice site analysis predicts that this alteration will not have any significant effect on splicing. Based on the available evidence, the clinical significance of this variant remains unclear.

All of Us Research Program, National Institutes of Health
Classification: Likely benign for Cardiomyopathy. Last evaluated: 2024-05-30. Review status: criteria provided, single submitter. Criteria: ACMG Guidelines, 2015. Collection method: clinical testing. Allele origin: germline. Inheritance: Autosomal dominant inheritance. Observed: 7 variant alleles, 7 heterozygotes.
Comment: This study involves interpretation of variants in research participants for the purpose of population health screening. Participant phenotype was not available at the time of variant classification. Additional details can be found in publication PMID: 35346344, PMCID: PMC8962531

Blueprint Genetics
Classification: Uncertain significance. Last evaluated: 2024-02-21. Review status: criteria provided, single submitter. Criteria: ACMG Guidelines, 2015. Collection method: clinical testing. Allele origin: germline.

CHEO Genetics Diagnostic Laboratory, Children's Hospital of Eastern Ontario
Classification: Uncertain significance for Cardiomyopathy. Last evaluated: 2020-09-10. Review status: criteria provided, single submitter. Criteria: ACMG Guidelines, 2015. Collection method: clinical testing. Allele origin: germline.

Color Diagnostics, LLC DBA Color Health
Classification: Likely benign for Cardiomyopathy. Last evaluated: 2019-06-04. Review status: criteria provided, single submitter. Criteria: ACMG Guidelines, 2015. Collection method: clinical testing. Allele origin: germline.

Literature cited by the submitters: PubMed 17576681 (cited by Labcorp Genetics (formerly Invitae), Labcorp); PubMed 9536098 (cited by Labcorp Genetics (formerly Invitae), Labcorp).

NM_000257.4(MYH7):c.733-3C>T

Gene: MYH7 (myosin heavy chain 7; minus strand). Cytogenetic location: 14q11.2.
Variant type: single nucleotide variant.
Coding change: c.733-3C>T on transcript NM_000257.4 (MANE Select); 3 bases into the intron before coding-DNA position 733, C replaced by T.
Molecular consequence: intron variant.
Genome position (GRCh38, 1-based): chr14:23,431,484, G>A on the plus strand (C>T on the coding strand, the complement: MYH7 is on the minus strand). VCF-style: chr14-23431484-G-A. GRCh37 (hg19) VCF-style: chr14-23900693-G-A.
Other names: c.733-3C>T (LRG_384t1).
Identifiers: ClinVar variation 222732 (VCV000222732.23), dbSNP rs765068619, ClinGen allele CA048995.